The following is an entry in ClinVar:

ClinVar aggregate classification (germline): Uncertain significance. Review status: criteria provided, multiple submitters, no conflicts (2 of 4 stars). 2 submissions from 2 submitters: Uncertain significance (2). Last evaluated 2021-04-07.

Conditions:
Hereditary spastic paraplegia 11. Also called: Nakamura Osame syndrome; Autosomal recessive hereditary spastic paraplegia, mental impairment, and thin corpus callosum; Spastic Paraplegia 11; Spastic paraplegia, mental retardation and thin corpus callosum; SPASTIC PARAPLEGIA, AUTOSOMAL RECESSIVE, COMPLICATED, WITH THIN CORPUS CALLOSUM; SPASTIC PARAPLEGIA, AUTOSOMAL RECESSIVE, WITH MENTAL IMPAIRMENT AND THIN CORPUS CALLOSUM. Identifiers: Orphanet 2822, MedGen C1858479, MONDO:0011445, OMIM 604360.
Inborn genetic diseases. Identifiers: MedGen C0950123, MeSH D030342.

gnomAD v4.1: 3 of 1,611,062 alleles (0.00019%); highest among the groups gnomAD compares: Non-Finnish European, 0.00025%; no homozygotes.

Submissions (2):

Labcorp Genetics (formerly Invitae), Labcorp
Classification: Uncertain significance for Hereditary spastic paraplegia 11. Last evaluated: 2021-04-07. Review status: criteria provided, single submitter. Criteria: Invitae Variant Classification Sherloc (09022015). Collection method: clinical testing. Allele origin: germline.
Comment: In summary, the available evidence is currently insufficient to determine the role of this variant in disease. Therefore, it has been classified as a Variant of Uncertain Significance. Algorithms developed to predict the effect of sequence changes on RNA splicing suggest that this variant may create or strengthen a splice site, but this prediction has not been confirmed by published transcriptional studies. Algorithms developed to predict the effect of missense changes on protein structure and function output the following: SIFT: "Deleterious"; PolyPhen-2: "Probably Damaging"; Align-GVGD: "Class C0". The glycine amino acid residue is found in multiple mammalian species, suggesting that this missense change does not adversely affect protein function. These predictions have not been confirmed by published functional studies and their clinical significance is uncertain. This variant has not been reported in the literature in individuals with SPG11-related conditions. This variant is not present in population databases (ExAC no frequency). This sequence change replaces cysteine with glycine at codon 1559 of the SPG11 protein (p.Cys1559Gly). The cysteine residue is highly conserved and there is a large physicochemical difference between cysteine and glycine.

Ambry Genetics
Classification: Uncertain significance for Inborn genetic diseases. Last evaluated: 2020-05-13. Review status: criteria provided, single submitter. Criteria: Ambry Variant Classification Scheme 2023. Collection method: clinical testing. Allele origin: germline.
Comment: The p.C1559G variant (also known as c.4675T>G), located in coding exon 27 of the SPG11 gene, results from a T to G substitution at nucleotide position 4675. The cysteine at codon 1559 is replaced by glycine, an amino acid with highly dissimilar properties. This amino acid position is highly conserved in available vertebrate species. In addition, the in silico prediction for this alteration is inconclusive. Since supporting evidence is limited at this time, the clinical significance of this alteration remains unclear.

NM_025137.4(SPG11):c.4675T>G (p.Cys1559Gly)

Gene: SPG11 (SPG11 vesicle trafficking associated, spatacsin; minus strand). Cytogenetic location: 15q21.1.
Variant type: single nucleotide variant.
Coding change: c.4675T>G on transcript NM_025137.4 (MANE Select); coding-DNA position 4675, T replaced by G.
Protein change: p.Cys1559Gly; replaces cysteine 1559 with glycine.
Molecular consequence: missense variant.
Genome position (GRCh38, 1-based): chr15:44,592,399, A>C on the plus strand (T>G on the coding strand, the complement: SPG11 is on the minus strand). VCF-style: chr15-44592399-A-C. GRCh37 (hg19) VCF-style: chr15-44884597-A-C.
Other names: c.4675T>G, p.Cys1559Gly (NM_001160227.2); short protein forms C1559G.
Identifiers: ClinVar variation 1428056 (VCV001428056.10), dbSNP rs757658545, ClinGen allele CA392225301.